The following is an entry in ClinVar:

ClinVar aggregate classification (germline): Uncertain significance (1 of 4 stars; one submission).

gnomAD v4.1: 113 of 1,586,122 alleles (0.0071%); highest among the groups gnomAD compares: Non-Finnish European, 0.0094%; no homozygotes.

Submission:

Labcorp Genetics (formerly Invitae), Labcorp
Classification: Uncertain significance. Last evaluated: 2025-11-25. Review status: criteria provided, single submitter. Criteria: Invitae Variant Classification Sherloc (09022015). Collection method: clinical testing. Allele origin: germline.
Comment: This sequence change replaces isoleucine, which is neutral and non-polar, with threonine, which is neutral and polar, at codon 324 of the JAK2 protein (p.Ile324Thr). This variant is present in population databases (rs139103117, gnomAD 0.01%). This variant has not been reported in the literature in individuals affected with JAK2-related conditions. Invitae Evidence Modeling of protein sequence and biophysical properties (such as structural, functional, and spatial information, amino acid conservation, physicochemical variation, residue mobility, and thermodynamic stability) indicates that this missense variant is not expected to disrupt JAK2 protein function with a negative predictive value of 80%. In summary, the available evidence is currently insufficient to determine the role of this variant in disease. Therefore, it has been classified as a Variant of Uncertain Significance.

NM_004972.4(JAK2):c.971T>C (p.Ile324Thr)

Genes: INSL6 (insulin like 6; minus strand), JAK2 (Janus kinase 2; plus strand). Cytogenetic location: 9p24.1.
Variant type: single nucleotide variant.
Coding change: c.971T>C on transcript NM_004972.4 (MANE Select); coding-DNA position 971, T replaced by C.
Protein change: p.Ile324Thr; replaces isoleucine 324 with threonine.
Molecular consequence: missense variant. On other transcripts: 5 prime UTR variant (2), non-coding transcript variant (2).
Genome position (GRCh38, 1-based): chr9:5,055,703, T>C. VCF-style: chr9-5055703-T-C. GRCh37 (hg19) VCF-style: chr9-5055703-T-C.
Other names: c.971T>C, p.Ile324Thr (NM_001322194.2, NM_001322195.2, NM_001322196.2); c.-245T>C (NM_001322198.2, NM_001322199.2); c.524T>C, p.Ile175Thr (NM_001322204.2); short protein forms I324T, I175T.
Identifiers: ClinVar variation 4749377 (VCV004749377.1).